The following is an entry in ClinVar:

NM_015631.6(TCTN3):c.1660C>T (p.Gln554Ter)

Gene: TCTN3 (tectonic family member 3; minus strand). Cytogenetic location: 10q24.1.
Variant type: single nucleotide variant.
Coding change: c.1660C>T on transcript NM_015631.6 (MANE Select); coding-DNA position 1660, C replaced by T.
Protein change: p.Gln554Ter; replaces glutamine 554 with a stop codon.
Molecular consequence: nonsense.
Genome position (GRCh38, 1-based): chr10:95,664,231, G>A on the plus strand (C>T on the coding strand, the complement: TCTN3 is on the minus strand). VCF-style: chr10-95664231-G-A. GRCh37 (hg19) VCF-style: chr10-97423988-G-A.
Other names: c.1216C>T, p.Gln406Ter (NM_001143973.2); short protein forms Q554*, Q406*.
Identifiers: ClinVar variation 1375354 (VCV001375354.6), dbSNP rs2139691743, ClinGen allele CA377699391.
Genomic context (GRCh38, chr10:95,664,231, plus strand): 5'-TGAAGGGAAAGAAGTCGAATGGCCATTTCCAGTCCATTTTGGGTTGGCCCCTTGGAGGCT[G>A]TGGCTTCTGGGTAATGTCCACAAAGTTCACAAGAGTTGTCAAAGATACTTCTGTAACTTG-3'

ClinVar aggregate classification (germline): Uncertain significance (1 of 4 stars; one submission).

Conditions:
Joubert syndrome 18 (JBTS18). Identifiers: Orphanet 2754, MedGen C3553758, MONDO:0013896, OMIM 614815.
Orofacial-digital syndrome IV (OFD4). Also called: BARAITSER-BURN SYNDROME; MOHR-MAJEWSKI SYNDROME; OFD SYNDROME WITH TIBIAL DEFECTS; OFD SYNDROME, BARAITSER-BURN TYPE; OFDS IV; ORAL-FACIAL-DIGITAL SYNDROME, TYPE IV. Identifiers: Orphanet 2753, MedGen C0406727, MONDO:0009794, OMIM 258860.

Allele frequency attached by ClinVar (database versions not stated): gnomAD exomes below 0.00001.

Submission:

Labcorp Genetics (formerly Invitae), Labcorp
Classification: Uncertain significance for Joubert syndrome 18; Orofacial-digital syndrome IV. Last evaluated: 2025-05-29. Review status: criteria provided, single submitter. Criteria: Invitae Variant Classification Sherloc (09022015). Collection method: clinical testing. Allele origin: germline.
Comment: This sequence change creates a premature translational stop signal (p.Gln554*) in the TCTN3 gene. While this is not anticipated to result in nonsense mediated decay, it is expected to disrupt the last 54 amino acid(s) of the TCTN3 protein. This variant is not present in population databases (gnomAD no frequency). This variant has not been reported in the literature in individuals affected with TCTN3-related conditions. ClinVar contains an entry for this variant (Variation ID: 1375354). Experimental studies and prediction algorithms are not available or were not evaluated, and the functional significance of this variant is currently unknown. In summary, the available evidence is currently insufficient to determine the role of this variant in disease. Therefore, it has been classified as a Variant of Uncertain Significance.